The following is an entry in ClinVar:

ClinVar aggregate classification (germline): Uncertain significance (1 of 4 stars; one submission).

Allele frequency attached by ClinVar (database versions not stated): gnomAD exomes below 0.00001.
gnomAD v4.1: 2 of 1,614,184 alleles (0.00012%); highest among the groups gnomAD compares: African/African-American, 0.0013%; no homozygotes.

Submission:

GeneDx
Classification: Uncertain significance. Last evaluated: 2022-05-11. Review status: criteria provided, single submitter. Criteria: GeneDx Variant Classification Process June 2021. Collection method: clinical testing. Allele origin: germline. Affected: yes.
Comment: Has not been previously published as pathogenic or benign to our knowledge; Not observed at significant frequency in large population cohorts (gnomAD); In silico analysis supports that this missense variant does not alter protein structure/function

NM_006766.5(KAT6A):c.4139A>G (p.His1380Arg)

Gene: KAT6A (lysine acetyltransferase 6A; minus strand). Cytogenetic location: 8p11.21.
Variant type: single nucleotide variant.
Coding change: c.4139A>G on transcript NM_006766.5 (MANE Select); coding-DNA position 4139, A replaced by G.
Protein change: p.His1380Arg; replaces histidine 1380 with arginine.
Molecular consequence: missense variant.
Genome position (GRCh38, 1-based): chr8:41,934,081, T>C on the plus strand (A>G on the coding strand, the complement: KAT6A is on the minus strand). VCF-style: chr8-41934081-T-C. GRCh37 (hg19) VCF-style: chr8-41791599-T-C.
Other names: short protein forms H1380R.
Identifiers: ClinVar variation 1723760 (VCV001723760.2), dbSNP rs1821716030, ClinGen allele CA371066889.
Genomic context (GRCh38, chr8:41,934,081, plus strand): 5'-GAGTCTTCTTCGTGGTCGTCCTCAGACCCAGCCATCTGCTCTGACACCACGGACGTGTCA[T>C]GGGAAGGCTGCTCCTCTTCGGAATCCAGCTCGGTTTCCTCTTTATCCTTTATCTTTTCCC-3'
Protein context (NP_006757.2, residues 1370-1390): ELDSEEEQPS[His1380Arg]DTSVVSEQMA